The following is an entry in ClinVar:

ClinVar aggregate classification (germline): Pathogenic. Review status: criteria provided, single submitter (1 of 4 stars). 2 submissions from 2 submitters: Pathogenic (1). 1 of the submissions does not count toward it. Last evaluated 2025-10-02.

Conditions:
Atypical hemolytic-uremic syndrome. Identifiers: Orphanet 2134, MedGen C2931788, MONDO:0016244.

Submissions (2):

Genomenon, Inc
Classification: Pathogenic for Atypical hemolytic-uremic syndrome. Last evaluated: 2025-10-02. Review status: criteria provided, single submitter. Criteria: Genomenon Sequence Variant Interpretation Standards - Updated. Collection method: curation. Allele origin: germline. Affected: yes.
Comment: CFH c.3493+2T>C is a canonical splice variant located in the donor splice region of intron 21. It is predicted to affect mRNA splicing, leading to a deleterious effect on the CFH protein. This variant has been observed in at least one proband affected with atypical hemolytic-uremic syndrome (PMID:28844315;28744369). The variant was found to segregate with disease in at least one affected family (PMID:28744369). It is absent or not present at a significant frequency in gnomAD. In conclusion, we classify CFH c.3493+2T>C as a pathogenic variant.

Sydney Genome Diagnostics, Children's Hospital Westmead
Classification: Pathogenic for Atypical hemolytic-uremic syndrome. Last evaluated: 2015-07-06. Review status: no assertion criteria provided. Collection method: clinical testing. Allele origin: unknown. Affected: yes. Observed: 1 variant allele, 1 heterozygote. Not counted in ClinVar's aggregate classification.
Comment: To our knowledge, this variant has not been previously reported. In silico analysis (Alamut Visual v2.6) predicts that this variant abolishes the consensus splice donor site at c.3493, resulting in skipping of exon 21, and it is considered to be pathogenic.

Literature cited by the submitters: PubMed 28844315 (cited by Genomenon, Inc); PubMed 28744369 (cited by Genomenon, Inc).

NM_000186.4(CFH):c.3493+2T>C

Gene: CFH (complement factor H; plus strand). Cytogenetic location: 1q31.3.
Variant type: single nucleotide variant.
Coding change: c.3493+2T>C on transcript NM_000186.4 (MANE Select); the canonical splice donor site of the intron after coding-DNA position 3493, T replaced by C.
Molecular consequence: splice donor variant.
Genome position (GRCh38, 1-based): chr1:196,746,001, T>C. VCF-style: chr1-196746001-T-C. GRCh37 (hg19) VCF-style: chr1-196715131-T-C.
Identifiers: ClinVar variation 988140 (VCV000988140.2), dbSNP rs1652989506, ClinGen allele CA343986450.
Genomic context (GRCh38, chr1:196,746,001, plus strand): 5'-GGGTAACAAGCGAATAACATGTAGAAATGGACAATGGTCAGAACCACCAAAATGCTTACG[T>C]AAGTACTTTAATATTCACGTGGCTGGAAAAATCTCTGTGATGAGTCTGATATTTCACTGT-3'